The following is an entry in ClinVar:

NM_000283.4(PDE6B):c.2129+3G>A

Gene: PDE6B (phosphodiesterase 6B; plus strand). Cytogenetic location: 4p16.3.
Variant type: single nucleotide variant.
Coding change: c.2129+3G>A on transcript NM_000283.4 (MANE Select); 3 bases into the intron after coding-DNA position 2129, G replaced by A.
Molecular consequence: intron variant.
Genome position (GRCh38, 1-based): chr4:664,224, G>A. VCF-style: chr4-664224-G-A. GRCh37 (hg19) VCF-style: chr4-658013-G-A.
Other names: c.2129+3G>A (NM_001145291.2); c.1292+3G>A (NM_001379246.1, NM_001379247.1, NM_001145292.2 and 1 more transcripts); c.974+3G>A (NM_001350155.3).
Identifiers: ClinVar variation 1482725 (VCV001482725.6), dbSNP rs753240857, ClinGen allele CA2794862.
Genomic context (GRCh38, chr4:664,224, plus strand): 5'-ACAAGAAGAGCTGGGTGGAGTACCTGTCCCTGGAGACGACCCGGAAGGAGATCGTCATGT[G>A]AGCGCGGGCGGAGGGGGCACGAGGGGTCCTTCCCTCGCAGGGACCGGGCCCACTCACCAG-3'

ClinVar aggregate classification (germline): Uncertain significance (1 of 4 stars; one submission).

Allele frequency attached by ClinVar (database versions not stated): gnomAD exomes below 0.00001; ExAC 0.00001; gnomAD 0.00001 and 0.00002; TOPMed 0.00002.
gnomAD v4.1: 7 of 1,548,210 alleles (0.00045%); highest among the groups gnomAD compares: Non-Finnish European, 0.00062%; no homozygotes.

Submission:

Labcorp Genetics (formerly Invitae), Labcorp
Classification: Uncertain significance. Last evaluated: 2021-11-14. Review status: criteria provided, single submitter. Criteria: Invitae Variant Classification Sherloc (09022015). Collection method: clinical testing. Allele origin: germline.
Comment: In summary, the available evidence is currently insufficient to determine the role of this variant in disease. Therefore, it has been classified as a Variant of Uncertain Significance. Variants that disrupt the consensus splice site are a relatively common cause of aberrant splicing (PMID: 17576681, 9536098). Algorithms developed to predict the effect of sequence changes on RNA splicing suggest that this variant is not likely to affect RNA splicing. This variant has not been reported in the literature in individuals affected with PDE6B-related conditions. This variant is present in population databases (rs753240857, gnomAD 0.006%). This sequence change falls in intron 17 of the PDE6B gene. It does not directly change the encoded amino acid sequence of the PDE6B protein. It affects a nucleotide within the consensus splice site.

Literature cited by the submitters: PubMed 17576681; PubMed 9536098.